The following is an entry in ClinVar:

NM_000179.3(MSH6):c.3708_3717dup (p.Lys1240Ter)

Gene: MSH6 (mutS homolog 6; plus strand). Cytogenetic location: 2p16.3.
Variant type: Duplication.
Coding change: c.3708_3717dup on transcript NM_000179.3 (MANE Select); coding-DNA positions 3708 to 3717, 10 bases duplicated (TGAGACTATA; older notation c.3708_3717dupTGAGACTATA).
Protein change: p.Lys1240Ter; replaces lysine 1240 with a stop codon.
Molecular consequence: nonsense. On other transcripts: non-coding transcript variant (5), frameshift variant (1).
Genome position (GRCh38, 1-based): chr2:47,806,265-47,806,274, TGAGACTATA duplicated. VCF-style (leftmost placement, unchanged base first): chr2-47806264-C-CTGAGACTATA. GRCh37 (hg19) VCF-style: chr2-48033403-C-CTGAGACTATA.
Other names: c.3411_3420dup, p.Lys1141Ter (NM_001406801.1, NM_001406805.1, NM_001406819.1 and 10 more transcripts); c.3804_3813dup, p.Lys1272Ter (NM_001406802.1, NM_001406795.1); c.2844_2853dup, p.Lys952Ter (NM_001406803.1); c.3630_3639dup, p.Lys1214Ter (NM_001406804.1); c.3183_3192dup, p.Lys1065Ter (NM_001406806.1, NM_001406807.1, NM_001406799.1); c.3708_3717dup, p.Lys1240Ter (NM_001406808.1, NM_001406796.1, NM_001406800.1 and 1 more transcripts); c.2802_2811dup, p.Lys938Ter (NM_001406823.1, NM_001406829.1, NM_001281493.2 and 6 more transcripts); c.3540_3549dup, p.Lys1184Ter (NM_001406826.1); and 8 more; short protein forms K1065*, K1110*, K1141*, K1182*, K1184*, K1214*, K1240*, K1242*.
Identifiers: ClinVar variation 4860397 (VCV004860397.1).

ClinVar aggregate classification (germline): Pathogenic (1 of 4 stars; one submission).

Conditions:
Hereditary cancer-predisposing syndrome. Also called: Neoplastic Syndromes, Hereditary; Tumor predisposition; Hereditary Cancer Syndrome; Hereditary neoplastic syndrome. Identifiers: Orphanet 140162, MedGen C0027672, MeSH D009386, MONDO:0015356.

Submission:

Ambry Genetics
Classification: Pathogenic for Hereditary cancer-predisposing syndrome. Last evaluated: 2026-04-16. Review status: criteria provided, single submitter. Criteria: Ambry Variant Classification Scheme 2023. Collection method: clinical testing. Allele origin: germline.
Comment: The c.3708_3717dup10 pathogenic mutation, located in coding exon 8 of the MSH6 gene, results from a duplication of TGAGACTATA at nucleotide position 3708, causing a translational frameshift with a predicted alternate stop codon (p.K1240*). This variant is considered to be rare based on population cohorts in the Genome Aggregation Database (gnomAD). This variant is expected to result in loss of function by premature protein truncation or nonsense-mediated mRNA decay. As such, this variant is interpreted as a disease-causing mutation.